The following is an entry in ClinVar:

NM_000231.3(SGCG):c.386-2A>C

Gene: SGCG (sarcoglycan gamma; plus strand). Cytogenetic location: 13q12.12.
Variant type: single nucleotide variant.
Coding change: c.386-2A>C on transcript NM_000231.3 (MANE Select); the canonical splice acceptor site of the intron before coding-DNA position 386, A replaced by C.
Molecular consequence: splice acceptor variant.
Genome position (GRCh38, 1-based): chr13:23,279,357, A>C. VCF-style: chr13-23279357-A-C. GRCh37 (hg19) VCF-style: chr13-23853496-A-C.
Other names: c.440-2A>C (NM_001378244.1); c.386-2A>C (NM_001378245.1, NM_001378246.1).
Identifiers: ClinVar variation 1067944 (VCV001067944.16), dbSNP rs886042757, ClinGen allele CA387503847.

ClinVar aggregate classification (germline): Pathogenic/Likely pathogenic. Review status: criteria provided, multiple submitters, no conflicts (2 of 4 stars). 4 submissions from 4 submitters: Pathogenic (1); Likely pathogenic (2). 1 of the submissions does not count toward it. Last evaluated 2025-07-10.

Conditions:
Autosomal recessive limb-girdle muscular dystrophy type 2C (LGMDR5). Also called: MUSCULAR DYSTROPHY, DUCHENNE-LIKE; MUSCULAR DYSTROPHY, LIMB-GIRDLE, AUTOSOMAL RECESSIVE 5. Identifiers: Orphanet 353, MedGen C0410173, MONDO:0009677, OMIM 253700. Disease mechanism: Affects gamma-sarcoglycan and also disrupts the integrity of the entire sarcoglycan complex..

Submissions (4):

Victorian Clinical Genetics Services, Murdoch Childrens Research Institute
Classification: Pathogenic for Autosomal recessive limb-girdle muscular dystrophy type 2C. Last evaluated: 2025-07-10. Review status: criteria provided, single submitter. Criteria: ACMG Guidelines, 2015. Collection method: clinical testing. Allele origin: germline.
Comment: This variant is classified as Pathogenic. Evidence in support of pathogenic classification: Canonical splice site variant without proven consequence on splicing (no functional evidence available); Variant is absent from gnomAD (v2, v3 and v4); This variant has moderate previous evidence of pathogenicity in unrelated individuals. This variant has been classified as likely pathogenic by multiple clinical laboratories (ClinVar); Other splice variant(s) comparable to the one identified in this case have moderate previous evidence for pathogenicity. c.386-2A>G and c.386-1G>A have been classified as pathogenic and likely pathogenic by multiple clinical laboratories (ClinVar); Abnormal splicing is predicted by in silico tool and affected nucleotide is highly conserved. Additional information: This variant is heterozygous; This gene is associated with autosomal recessive disease; Alternative nucleotide change(s) at the same canonical splice site are present in gnomAD (highest allele count: v4: 4 heterozygote(s), 0 homozygote(s)); No published evidence of segregation with disease has been identified for this variant; No published functional evidence has been identified for this variant; Loss of function is a known mechanism of disease in this gene and is associated with autosomal recessive limb-girdle muscular dystrophy 5 (MIM#253700).

Baylor Genetics
Classification: Likely pathogenic for Autosomal recessive limb-girdle muscular dystrophy type 2C. Last evaluated: 2022-12-19. Review status: criteria provided, single submitter. Criteria: ACMG Guidelines, 2015. Collection method: clinical testing. Allele origin: unknown.

Labcorp Genetics (formerly Invitae), Labcorp
Classification: Likely pathogenic for Autosomal recessive limb-girdle muscular dystrophy type 2C. Last evaluated: 2021-04-04. Review status: criteria provided, single submitter. Criteria: Invitae Variant Classification Sherloc (09022015). Collection method: clinical testing. Allele origin: germline.
Comment: This variant has not been reported in the literature in individuals with SGCG-related conditions. In summary, the currently available evidence indicates that the variant is pathogenic, but additional data are needed to prove that conclusively. Therefore, this variant has been classified as Likely Pathogenic. Donor and acceptor splice site variants typically lead to a loss of protein function (PMID: 16199547), and loss-of-function variants in SGCG are known to be pathogenic (PMID: 18285821). Algorithms developed to predict the effect of sequence changes on RNA splicing suggest that this variant may disrupt the consensus splice site, but this prediction has not been confirmed by published transcriptional studies. This variant is not present in population databases (ExAC no frequency). This sequence change affects an acceptor splice site in intron 4 of the SGCG gene. It is expected to disrupt RNA splicing and likely results in an absent or disrupted protein product.

Natera, Inc.
Classification: Likely pathogenic for Limb-girdle muscular dystrophy type 2C. Last evaluated: 2020-08-10. Review status: no assertion criteria provided. Collection method: clinical testing. Allele origin: germline. Not counted in ClinVar's aggregate classification.

Literature cited by the submitters: PubMed 16199547 (cited by Labcorp Genetics (formerly Invitae), Labcorp); PubMed 18285821 (cited by Labcorp Genetics (formerly Invitae), Labcorp).